The following is an entry in ClinVar:

ClinVar aggregate classification (germline): Likely benign (1 of 4 stars; one submission).

Allele frequency attached by ClinVar (database versions not stated): gnomAD 0.01430 and 0.01526; 1000 Genomes Project 0.01637; TOPMed 0.01652; 1000 Genomes Project 30x 0.01765.
gnomAD v4.1: 2,148 of 152,080 alleles (1.4%); highest among the groups gnomAD compares: African/African-American, 4.9%; 47 homozygotes.

Submission:

GeneDx
Classification: Likely benign. Last evaluated: 2018-06-16. Review status: criteria provided, single submitter. Criteria: GeneDx Variant Classification (06012015). Collection method: clinical testing. Allele origin: germline. Affected: yes.
Comment: This variant is considered likely benign or benign based on one or more of the following criteria: it is a conservative change, it occurs at a poorly conserved position in the protein, it is predicted to be benign by multiple in silico algorithms, and/or has population frequency not consistent with disease.

NM_001267550.2(TTN):c.54811+298T>G

Genes: TTN (titin; minus strand), TTN-AS1 (TTN antisense RNA 1; plus strand). Cytogenetic location: 2q31.2.
Variant type: single nucleotide variant.
Coding change: c.54811+298T>G on transcript NM_001267550.2 (MANE Select); 298 bases into the intron after coding-DNA position 54811, T replaced by G.
Molecular consequence: intron variant.
Genome position (GRCh38, 1-based): chr2:178,603,578, A>C on the plus strand (T>G on the coding strand, the complement: TTN is on the minus strand). VCF-style: chr2-178603578-A-C. GRCh37 (hg19) VCF-style: chr2-179468305-A-C.
Other names: c.27616+298T>G (NM_003319.4); c.28192+298T>G (NM_133437.4); c.27991+298T>G (NM_133432.3); c.47107+298T>G (NM_133378.4); c.49888+298T>G (NM_001256850.1).
Identifiers: ClinVar variation 668597 (VCV000668597.1), dbSNP rs11892987, ClinGen allele CA60979504.